The following is an entry in ClinVar:

ClinVar aggregate classification (germline): Uncertain significance (1 of 4 stars; one submission).

Conditions:
Inborn genetic diseases. Identifiers: MedGen C0950123, MeSH D030342.

Submission:

Ambry Genetics
Classification: Uncertain significance for Inborn genetic diseases. Last evaluated: 2025-09-29. Review status: criteria provided, single submitter. Criteria: Ambry Variant Classification Scheme 2023. Collection method: clinical testing. Allele origin: germline.
Comment: The p.G28D variant (also known as c.83G>A), located in coding exon 1 of the ANKRD26 gene, results from a G to A substitution at nucleotide position 83. The glycine at codon 28 is replaced by aspartic acid, an amino acid with similar properties. This amino acid position is conserved. In addition, this alteration is predicted to be tolerated by in silico analysis. Based on the available evidence, the clinical significance of this variant remains unclear.

NM_014915.3(ANKRD26):c.83G>A (p.Gly28Asp)

Genes: ANKRD26 (ankyrin repeat domain 26; minus strand), LOC130003554 (ATAC-STARR-seq lymphoblastoid silent region 2243; plus strand). Cytogenetic location: 10p12.1.
Variant type: single nucleotide variant.
Coding change: c.83G>A on transcript NM_014915.3 (MANE Select); coding-DNA position 83, G replaced by A.
Protein change: p.Gly28Asp; replaces glycine 28 with aspartic acid.
Molecular consequence: missense variant.
Genome position (GRCh38, 1-based): chr10:27,100,244, C>T on the plus strand (G>A on the coding strand, the complement: ANKRD26 is on the minus strand). VCF-style: chr10-27100244-C-T. GRCh37 (hg19) VCF-style: chr10-27389173-C-T.
Other names: c.83G>A, p.Gly28Asp (NM_001256053.2); short protein forms G28D.
Identifiers: ClinVar variation 4579020 (VCV004579020.1).